The following is an entry in ClinVar:

ClinVar aggregate classification (germline): Benign/Likely benign. Review status: criteria provided, multiple submitters, no conflicts (2 of 4 stars). 13 submissions from 13 submitters: Benign (8); Likely benign (2). 3 of the submissions do not count toward it. Last evaluated 2026-01-28.

Conditions:
Atrial septal defect 5 (ASD5). Identifiers: Orphanet 1478, MedGen C2748552, MONDO:0013011, OMIM 612794.
Hypertrophic cardiomyopathy 11. Also called: ACTC1-Related Familial Hypertrophic Cardiomyopathy. Identifiers: MedGen C2677506, MONDO:0012799, OMIM 612098.
Dilated cardiomyopathy 1R (CMD1R). Identifiers: Orphanet 154, Orphanet 54260, MedGen C3150681, MONDO:0013261, OMIM 613424.
Cardiomyopathy (CMYO). Also called: Cardiomyopathies. Identifiers: Orphanet 167848, MedGen C0878544, MONDO:0004994, HP:0001638. Inheritance: Various modes of inheritance.
Hypertrophic cardiomyopathy. Also called: HYPERTROPHIC MYOCARDIOPATHY. Identifiers: Orphanet 217569, MedGen C0007194, MeSH D002312, MONDO:0005045, HP:0001639.

Allele frequency attached by ClinVar (database versions not stated): gnomAD exomes 0.00021 and 0.00065; ExAC 0.00082; ESP Exome Variant Server 0.00231; gnomAD 0.00237 and 0.00245; TOPMed 0.00266; 1000 Genomes Project 0.00399; 1000 Genomes Project 30x 0.00406.

Submissions (13):

Labcorp Genetics (formerly Invitae), Labcorp
Classification: Benign for Dilated cardiomyopathy 1R; Hypertrophic cardiomyopathy 11; Atrial septal defect 5. Last evaluated: 2026-01-28. Review status: criteria provided, single submitter. Criteria: Invitae Variant Classification Sherloc (09022015). Collection method: clinical testing. Allele origin: germline.

Molecular Diagnostic Laboratory for Inherited Cardiovascular Disease, Montreal Heart Institute
Classification: Benign. Last evaluated: 2025-04-09. Review status: criteria provided, single submitter. Criteria: ACMG Guidelines, 2015. Collection method: clinical testing. Allele origin: germline. Affected: no.

Blueprint Genetics
Classification: Likely benign. Last evaluated: 2024-10-22. Review status: criteria provided, single submitter. Criteria: ACMG Guidelines, 2015. Collection method: clinical testing. Allele origin: germline.

ARUP Laboratories, Molecular Genetics and Genomics, ARUP Laboratories
Classification: Benign. Last evaluated: 2024-10-17. Review status: criteria provided, single submitter. Criteria: ARUP Molecular Germline Variant Investigation Process 2024. Collection method: clinical testing. Allele origin: germline.

Women's Health and Genetics/Laboratory Corporation of America, LabCorp
Classification: Benign. Last evaluated: 2022-01-31. Review status: criteria provided, single submitter. Criteria: LabCorp Variant Classification Summary - May 2015. Collection method: clinical testing. Allele origin: germline.

Agnes Ginges Centre for Molecular Cardiology, Centenary Institute
Classification: Benign for Hypertrophic cardiomyopathy 11. Last evaluated: 2018-09-03. Review status: criteria provided, single submitter. Criteria: ACMG Guidelines, 2015. Collection method: research. Allele origin: germline. Inheritance: Autosomal dominant inheritance. Affected: yes.
Comment: This variant has been identified as part of our research program. Refer to the 'condition' field for the phenotype of the proband(s) identified with this variant. For further information please feel free to contact us.

Eurofins Ntd Llc (ga)
Classification: Benign. Last evaluated: 2017-06-16. Review status: criteria provided, single submitter. Criteria: EGL Classification Definitions 2015. Collection method: clinical testing. Allele origin: germline. Observed: 1 variant allele, 1 heterozygote.

CHEO Genetics Diagnostic Laboratory, Children's Hospital of Eastern Ontario
Classification: Likely benign for Cardiomyopathy. Last evaluated: 2017-05-31. Review status: criteria provided, single submitter. Criteria: ACMG Guidelines, 2015. Collection method: clinical testing. Allele origin: germline. Study: Canadian Open Genetics Repository.

GeneDx
Classification: Benign. Last evaluated: 2015-03-03. Review status: criteria provided, single submitter. Criteria: GeneDx Variant Classification Process June 2021. Collection method: clinical testing. Allele origin: germline. Affected: yes.

Laboratory for Molecular Medicine, Mass General Brigham Personalized Medicine
Classification: Benign. Last evaluated: 2012-03-01. Review status: criteria provided, single submitter. Criteria: LMM Criteria. Collection method: clinical testing. Allele origin: germline. Observed: 16 variant alleles.
Comment: 454+9G>A in intron 2 of ACTC: This variant is not expected to have clinical sign ificance because it is not located in the highly conserved region of the splice consensus sequence and has been identified in 0.7% (27/3738) of African American chromosomes from a broad population by the NHLBI Exome Sequencing Project (dbSNP rs148695567).

Cohesion Phenomics
Classification: Likely benign for Hypertrophic Cardiomyopathy. Last evaluated: 2022-09-29. Review status: no assertion criteria provided. Criteria: ACMG Guidelines, 2015. Collection method: clinical testing. Allele origin: germline. Affected: yes. Not counted in ClinVar's aggregate classification.

Clinical Genetics DNA and cytogenetics Diagnostics Lab, Erasmus MC, Erasmus Medical Center
Classification: Likely benign. Review status: no assertion criteria provided. Collection method: clinical testing. Allele origin: germline. Affected: yes. Study: VKGL Data-share Consensus. Not counted in ClinVar's aggregate classification.

Clinical Genetics, Academic Medical Center
Classification: Benign. Review status: no assertion criteria provided. Collection method: clinical testing. Allele origin: germline. Affected: yes. Study: VKGL Data-share Consensus. Not counted in ClinVar's aggregate classification.

NM_005159.5(ACTC1):c.454+9G>A

Genes: ACTC1 (actin alpha cardiac muscle 1; minus strand), GJD2-DT (GJD2 divergent transcript; plus strand). Cytogenetic location: 15q14.
Variant type: single nucleotide variant.
Coding change: c.454+9G>A on transcript NM_005159.5 (MANE Select); 9 bases into the intron after coding-DNA position 454, G replaced by A.
Molecular consequence: intron variant.
Genome position (GRCh38, 1-based): chr15:34,793,236, C>T on the plus strand (G>A on the coding strand, the complement: ACTC1 is on the minus strand). VCF-style: chr15-34793236-C-T. GRCh37 (hg19) VCF-style: chr15-35085437-C-T.
Identifiers: ClinVar variation 45178 (VCV000045178.29), dbSNP rs148695567, ClinGen allele CA019778.